The following is an entry in ClinVar:

ClinVar aggregate classification (germline): Uncertain significance (1 of 4 stars; one submission).

Conditions:
Werner syndrome (WRN). Identifiers: Orphanet 902, MedGen C0043119, MONDO:0010196, OMIM 277700.

Submission:

Labcorp Genetics (formerly Invitae), Labcorp
Classification: Uncertain significance for Werner syndrome. Last evaluated: 2023-11-05. Review status: criteria provided, single submitter. Criteria: Invitae Variant Classification Sherloc (09022015). Collection method: clinical testing. Allele origin: germline.
Comment: This sequence change affects codon 184 of the WRN mRNA. It is a 'silent' change, meaning that it does not change the encoded amino acid sequence of the WRN protein. This variant is not present in population databases (gnomAD no frequency). This variant has not been reported in the literature in individuals affected with WRN-related conditions. ClinVar contains an entry for this variant (Variation ID: 2009027). Algorithms developed to predict the effect of sequence changes on RNA splicing suggest that this variant may create or strengthen a splice site. In summary, the available evidence is currently insufficient to determine the role of this variant in disease. Therefore, it has been classified as a Variant of Uncertain Significance.

NM_000553.6(WRN):c.552C>T (p.Leu184=)

Gene: WRN (WRN RecQ like helicase; plus strand). Cytogenetic location: 8p12.
Variant type: single nucleotide variant.
Coding change: c.552C>T on transcript NM_000553.6 (MANE Select); coding-DNA position 552, C replaced by T.
Protein change: p.Leu184=; no amino-acid change (leucine 184 retained).
Molecular consequence: synonymous variant.
Genome position (GRCh38, 1-based): chr8:31,067,080, C>T. VCF-style: chr8-31067080-C-T. GRCh37 (hg19) VCF-style: chr8-30924596-C-T.
Identifiers: ClinVar variation 2009027 (VCV002009027.4), dbSNP rs2130049615, ClinGen allele CA460221624.
Genomic context (GRCh38, chr8:31,067,080, plus strand): 5'-TCATCATTTCTAGCTGAAATGCACAGAGACCTGGAGCCTTAACAGTCTGGTTAAACACCT[C>T]TTAGGTAAACAGCTCCTGAAAGACAAGTCTATCCGCTGTAGCAATTGGAGTAAATTTCCT-3'
Protein context (NP_000544.2, residues 174-194): TWSLNSLVKH[Leu184=]LGKQLLKDKS